The following is an entry in ClinVar:

ClinVar aggregate classification (germline): Uncertain significance. Review status: criteria provided, multiple submitters, no conflicts (2 of 4 stars). 3 submissions from 3 submitters: Uncertain significance (3). Last evaluated 2025-06-29.

Conditions:
Focal segmental glomerulosclerosis 7 (FSGS7). Identifiers: Orphanet 656, MedGen C4014925, MONDO:0014451, OMIM 616002.
Renal coloboma syndrome (PAPRS). Also called: COLOBOMA OF OPTIC NERVE WITH RENAL DISEASE; PAPILLORENAL SYNDROME WITH MILD OCULAR ABNORMALITIES; PAPILLORENAL SYNDROME; CONGENITAL ANOMALIES OF THE KIDNEY AND URINARY TRACT WITH OR WITHOUT OCULAR ABNORMALITIES; CAKUT WITH OR WITHOUT OCULAR ABNORMALITIES; OPTIC COLOBOMA, VESICOURETERAL REFLUX, AND RENAL ANOMALIES. Identifiers: Orphanet 1475, MedGen C1852759, MONDO:0007352, OMIM 120330.
Inborn genetic diseases. Identifiers: MedGen C0950123, MeSH D030342.

Allele frequency attached by ClinVar (database versions not stated): gnomAD 0.00001; TOPMed 0.00001.
gnomAD v4.1: 4 of 1,597,262 alleles (0.00025%); highest among the groups gnomAD compares: Admixed American, 0.0069%; no homozygotes.

Submissions (3):

Ambry Genetics
Classification: Uncertain significance for Inborn genetic diseases. Last evaluated: 2025-06-29. Review status: criteria provided, single submitter. Criteria: Ambry Variant Classification Scheme 2023. Collection method: clinical testing. Allele origin: germline.

Fulgent Genetics
Classification: Uncertain significance for Renal coloboma syndrome; Focal segmental glomerulosclerosis 7. Last evaluated: 2023-12-27. Review status: criteria provided, single submitter. Criteria: ACMG Guidelines, 2015. Collection method: clinical testing. Allele origin: germline.

Labcorp Genetics (formerly Invitae), Labcorp
Classification: Uncertain significance for Renal coloboma syndrome; Focal segmental glomerulosclerosis 7. Last evaluated: 2021-05-10. Review status: criteria provided, single submitter. Criteria: Invitae Variant Classification Sherloc (09022015). Collection method: clinical testing. Allele origin: germline.
Comment: In summary, the available evidence is currently insufficient to determine the role of this variant in disease. Therefore, it has been classified as a Variant of Uncertain Significance. Algorithms developed to predict the effect of missense changes on protein structure and function are either unavailable or do not agree on the potential impact of this missense change (SIFT: "Not Available"; PolyPhen-2: "Possibly Damaging"; Align-GVGD: "Not Available"). This variant has not been reported in the literature in individuals with PAX2-related conditions. This variant is not present in population databases (ExAC no frequency). This sequence change replaces proline with glutamine at codon 151 of the PAX2 protein (p.Pro151Gln). The proline residue is moderately conserved and there is a moderate physicochemical difference between proline and glutamine.

NM_000278.5(PAX2):c.452C>A (p.Pro151Gln)

Gene: PAX2 (paired box 2; plus strand). Cytogenetic location: 10q24.31.
Variant type: single nucleotide variant.
Coding change: c.452C>A on transcript NM_000278.5 (MANE Select); coding-DNA position 452, C replaced by A.
Protein change: p.Pro151Gln; replaces proline 151 with glutamine.
Molecular consequence: missense variant.
Genome position (GRCh38, 1-based): chr10:100,779,539, C>A. VCF-style: chr10-100779539-C-A. GRCh37 (hg19) VCF-style: chr10-102539296-C-A.
Other names: c.452C>A (NM_003987.3); c.545C>A, p.Pro182Gln (NM_001304569.2); c.452C>A, p.Pro151Gln (NM_003987.5, NM_003988.5, NM_003989.5 and 1 more transcripts); short protein forms P182Q, P151Q.
Identifiers: ClinVar variation 1405898 (VCV001405898.9), dbSNP rs199919058, ClinGen allele CA213066627.